The following is an entry in ClinVar:

NM_001365951.3(KIF1B):c.2115+6400G>T

Gene: KIF1B (kinesin family member 1B; plus strand). Cytogenetic location: 1p36.22.
Variant type: single nucleotide variant.
Coding change: c.2115+6400G>T on transcript NM_001365951.3 (MANE Select); 6400 bases into the intron after coding-DNA position 2115, G replaced by T.
Molecular consequence: intron variant. On other transcripts: missense variant (2).
Genome position (GRCh38, 1-based): chr1:10,303,646, G>T. VCF-style: chr1-10303646-G-T. GRCh37 (hg19) VCF-style: chr1-10363704-G-T.
Other names: c.2461G>T, p.Val821Phe (NM_001365953.1, NM_183416.4); c.1977+6400G>T (NM_015074.3); c.2115+6400G>T (NM_001365952.1); short protein forms V821F.
Identifiers: ClinVar variation 3043236 (VCV003043236.2), dbSNP rs567157730, ClinGen allele CA581252.

ClinVar aggregate classification (germline): Likely benign (0 of 4 stars; one submission).

Conditions:
KIF1B-related disorder. Also called: KIF1B-related condition.

Allele frequency attached by ClinVar (database versions not stated): TOPMed 0.00003; gnomAD 0.00008; gnomAD exomes 0.00018; 1000 Genomes Project 0.00040; ExAC 0.00043; 1000 Genomes Project 30x 0.00047.
gnomAD v4.1: 276 of 1,614,168 alleles (0.017%); highest among the groups gnomAD compares: South Asian, 0.28%; 5 homozygotes.

Submission:

PreventionGenetics, part of Exact Sciences
Classification: Likely benign for KIF1B-related condition. Last evaluated: 2019-06-30. Review status: no assertion criteria provided. Collection method: clinical testing. Allele origin: germline.
Comment: This variant is classified as likely benign based on ACMG/AMP sequence variant interpretation guidelines (Richards et al. 2015 PMID: 25741868, with internal and published modifications).